The following is an entry in ClinVar:

ClinVar aggregate classification (germline): Uncertain significance (1 of 4 stars; one submission).

Conditions:
Hereditary breast ovarian cancer syndrome. Also called: Hereditary breast and ovarian cancer syndrome (HBOC); Hereditary breast and ovarian cancer; Breast and ovarian cancer; Hereditary breast and/or ovarian cancer syndrome; BRCA1- and BRCA2-Associated Hereditary Breast and Ovarian Cancer; Hereditary breast and ovarian cancer syndrome. Identifiers: Orphanet 145, MedGen C0677776, MeSH D061325, MONDO:0003582. Disease mechanism: loss of function.

Submission:

Labcorp Genetics (formerly Invitae), Labcorp
Classification: Uncertain significance for Hereditary breast ovarian cancer syndrome. Last evaluated: 2025-12-22. Review status: criteria provided, single submitter. Criteria: Invitae Variant Classification Sherloc (09022015). Collection method: clinical testing. Allele origin: germline.
Comment: This sequence change replaces serine, which is neutral and polar, with threonine, which is neutral and polar, at codon 1363 of the BRCA1 protein (p.Ser1363Thr). This variant is not present in population databases (gnomAD no frequency). This variant has not been reported in the literature in individuals affected with BRCA1-related conditions. Invitae Evidence Modeling of protein sequence and biophysical properties (such as structural, functional, and spatial information, amino acid conservation, physicochemical variation, residue mobility, and thermodynamic stability) indicates that this missense variant is not expected to disrupt BRCA1 protein function with a negative predictive value of 80%. In summary, the available evidence is currently insufficient to determine the role of this variant in disease. Therefore, it has been classified as a Variant of Uncertain Significance.

NM_007294.4(BRCA1):c.4087T>A (p.Ser1363Thr)

Genes: BRCA1 (BRCA1 DNA repair associated; minus strand), LOC126862571 (BRD4-independent group 4 enhancer GRCh37_chr17:41243136-41244335; plus strand). Cytogenetic location: 17q21.31.
Variant type: single nucleotide variant.
Coding change: c.4087T>A on transcript NM_007294.4 (MANE Select); coding-DNA position 4087, T replaced by A.
Protein change: p.Ser1363Thr; replaces serine 1363 with threonine.
Molecular consequence: missense variant. On other transcripts: intron variant (135).
Genome position (GRCh38, 1-based): chr17:43,091,444, A>T on the plus strand (T>A on the coding strand, the complement: BRCA1 is on the minus strand). VCF-style: chr17-43091444-A-T. GRCh37 (hg19) VCF-style: chr17-41243461-A-T.
Other names: c.3943T>A, p.Ser1315Thr (NM_001407943.1, NM_001407740.1, NM_001407741.1 and 20 more transcripts); c.3946T>A, p.Ser1316Thr (NM_001407944.1, NM_001407945.1, NM_001407727.1 and 29 more transcripts); c.3754T>A, p.Ser1252Thr (NM_001407946.1, NM_001407947.1, NM_001407948.1 and 6 more transcripts); c.3751T>A, p.Ser1251Thr (NM_001407954.1, NM_001407955.1, NM_001407958.1 and 1 more transcripts); c.3706T>A, p.Ser1236Thr (NM_001407959.1, NM_001407960.1, NM_001407963.1); c.3874T>A, p.Ser1292Thr (NM_001407853.1, NM_001407894.1, NM_001407895.1 and 9 more transcripts); c.4087T>A, p.Ser1363Thr (NM_001407854.1, NM_001407858.1, NM_001407859.1 and 30 more transcripts); c.4084T>A, p.Ser1362Thr (NM_001407860.1, NM_001407861.1, NM_001407587.1 and 22 more transcripts); and 41 more; short protein forms S1067T, S1195T, S1235T, S1236T, S1251T, S1252T, S1274T, S1275T.
Identifiers: ClinVar variation 4799562 (VCV004799562.1).